The following is an entry in ClinVar:

NM_000094.4(COL7A1):c.7459G>A (p.Gly2487Ser)

Gene: COL7A1 (collagen type VII alpha 1 chain; minus strand). Cytogenetic location: 3p21.31.
Variant type: single nucleotide variant.
Coding change: c.7459G>A on transcript NM_000094.4 (MANE Select); coding-DNA position 7459, G replaced by A.
Protein change: p.Gly2487Ser; replaces glycine 2487 with serine.
Molecular consequence: missense variant.
Genome position (GRCh38, 1-based): chr3:48,570,160, C>T on the plus strand (G>A on the coding strand, the complement: COL7A1 is on the minus strand). VCF-style: chr3-48570160-C-T. GRCh37 (hg19) VCF-style: chr3-48607593-C-T.
Other names: short protein forms G2487S.
Identifiers: ClinVar variation 3589246 (VCV003589246.3).
Genomic context (GRCh38, chr3:48,570,160, plus strand): 5'-TCACAGCACTGTCACTTTCCCCAGCGGGACCCACCGTGAGTCCTCGGGGTCCCTCCTGGC[C>T]GGGGCGGCCATCTTCACCCTGGATGGTGACATTAGGTTCATTGACTCAGAGGTTGGAAAT-3'
Protein context (NP_000085.1, residues 2477-2497): PGIRGEDGRP[Gly2487Ser]QEGPRGLTGP

ClinVar aggregate classification (germline): Conflicting classifications of pathogenicity. Review status: criteria provided, conflicting classifications (1 of 4 stars). 2 submissions from 2 submitters: Likely pathogenic (1); Uncertain significance (1). Last evaluated 2024-12-07.

Conditions:
Nonsyndromic congenital nail disorder 8. Also called: TOENAIL DYSTROPHY, ISOLATED. Identifiers: MedGen C1843761, MONDO:0011852, OMIM 607523.
Recessive dystrophic epidermolysis bullosa (RDEB). Also called: severe generalized recessive dystrophic epidermolysis bullosa; EPIDERMOLYSIS BULLOSA DYSTROPHICA, GENERALIZED SEVERE, AUTOSOMAL RECESSIVE; DYSTROPHIC EPIDERMOLYSIS BULLOSA, AUTOSOMAL RECESSIVE; EPIDERMOLYSIS BULLOSA DYSTROPHICA, HALLOPEAU-SIEMENS TYPE; epidermolysis bullosa dystrophica, autosomal recessive; Recessive DEB (RDEB). Identifiers: Orphanet 79408, Orphanet 79409, MedGen C0079474, MONDO:0009179, OMIM 226600.
Dominant dystrophic epidermolysis bullosa with absence of skin. Also called: EPIDERMOLYSIS BULLOSA WITH CONGENITAL LOCALIZED ABSENCE OF SKIN AND DEFORMITY OF NAILS; EPIDERMOLYSIS BULLOSA DYSTROPHICA, BART TYPE. Identifiers: MedGen C0268371, MONDO:0007557, OMIM 132000.
Generalized dominant dystrophic epidermolysis bullosa (DDEB). Also called: Dominant DEB (DDEB); DDEB, generalized; DDEB-gen; DYSTROPHIC EPIDERMOLYSIS BULLOSA, AUTOSOMAL DOMINANT; Epidermolysis bullosa dystrophica, autosomal dominant. Identifiers: Orphanet 231568, MedGen C0432322, MONDO:0007549, OMIM 131750.
Epidermolysis bullosa pruriginosa. Also called: DEB, PRURIGINOSA; DYSTROPHIC EPIDERMOLYSIS BULLOSA PRURIGINOSA. Identifiers: Orphanet 89843, MedGen C1275114, MONDO:0011398, OMIM 604129.
Transient bullous dermolysis of the newborn (TBDN). Also called: DYSTROPHIC EPIDERMOLYSIS BULLOSA, NEONATAL; EPIDERMOLYSIS BULLOSA DYSTROPHICA, NEONATAL FORM. Identifiers: Orphanet 79411, MedGen C1851573, MONDO:0007548, OMIM 131705.
Pretibial dystrophic epidermolysis bullosa. Also called: Pretibial epidermolysis bullosa; EPIDERMOLYSIS BULLOSA DYSTROPHICA, PRETIBIAL; Pretibial blistering. Identifiers: Orphanet 79410, MedGen C0432321, MONDO:0007552, OMIM 131850, HP:0012221.

Submissions (2):

Labcorp Genetics (formerly Invitae), Labcorp
Classification: Uncertain significance. Last evaluated: 2024-12-07. Review status: criteria provided, single submitter. Criteria: Invitae Variant Classification Sherloc (09022015). Collection method: clinical testing. Allele origin: germline.
Comment: This sequence change replaces glycine, which is neutral and non-polar, with serine, which is neutral and polar, at codon 2487 of the COL7A1 protein (p.Gly2487Ser). This variant is present in population databases (rs748584338, gnomAD 0.006%). This variant has not been reported in the literature in individuals affected with COL7A1-related conditions. Invitae Evidence Modeling of protein sequence and biophysical properties (such as structural, functional, and spatial information, amino acid conservation, physicochemical variation, residue mobility, and thermodynamic stability) indicates that this missense variant is expected to disrupt COL7A1 protein function with a positive predictive value of 95%. This variant disrupts the triple helix domain of COL7A1. Glycine residues within the Gly-Xaa-Yaa repeats of the triple helix domain are required for the structure and stability of fibrillar collagens (PMID: 7695699, 8218237, 19344236), and variants at these glycine residues in COL7A1 are more frequently observed in individuals with disease than in the general population (PMID: 22058051). However, the clinical significance of this observation remains uncertain since only a limited number of affected individuals have been described to date. In summary, the available evidence is currently insufficient to determine the role of this variant in disease. Therefore, it has been classified as a Variant of Uncertain Significance.

Fulgent Genetics
Classification: Likely pathogenic for Transient bullous dermolysis of the newborn; Generalized dominant dystrophic epidermolysis bullosa; Pretibial dystrophic epidermolysis bullosa; Dominant dystrophic epidermolysis bullosa with absence of skin; Recessive dystrophic epidermolysis bullosa; Epidermolysis bullosa pruriginosa; Nonsyndromic congenital nail disorder 8. Last evaluated: 2024-01-04. Review status: criteria provided, single submitter. Criteria: ACMG Guidelines, 2015. Collection method: clinical testing. Allele origin: germline.

Literature cited by the submitters: PubMed 7695699 (cited by Labcorp Genetics (formerly Invitae), Labcorp); PubMed 8218237 (cited by Labcorp Genetics (formerly Invitae), Labcorp); PubMed 19344236 (cited by Labcorp Genetics (formerly Invitae), Labcorp); PubMed 22058051 (cited by Labcorp Genetics (formerly Invitae), Labcorp).